The following is an entry in ClinVar:

NM_001348768.2(HECW2):c.2165C>T (p.Ala722Val)

Gene: HECW2 (HECT, C2 and WW domain containing E3 ubiquitin protein ligase 2; minus strand). Cytogenetic location: 2q32.3.
Variant type: single nucleotide variant.
Coding change: c.2165C>T on transcript NM_001348768.2 (MANE Select); coding-DNA position 2165, C replaced by T.
Protein change: p.Ala722Val; replaces alanine 722 with valine.
Molecular consequence: missense variant.
Genome position (GRCh38, 1-based): chr2:196,318,725, G>A on the plus strand (C>T on the coding strand, the complement: HECW2 is on the minus strand). VCF-style: chr2-196318725-G-A. GRCh37 (hg19) VCF-style: chr2-197183449-G-A.
Other names: c.1097C>T, p.Ala366Val (NM_001304840.3); c.2165C>T, p.Ala722Val (NM_020760.4); short protein forms A366V, A722V.
Identifiers: ClinVar variation 2343955 (VCV002343955.17), dbSNP rs148355984, ClinGen allele CA2038175.

ClinVar aggregate classification (germline): Likely benign. Review status: criteria provided, multiple submitters, no conflicts (2 of 4 stars). 3 submissions from 3 submitters: Likely benign (3). Last evaluated 2024-11-01.

Conditions:
Inborn genetic diseases. Identifiers: MedGen C0950123, MeSH D030342.

Allele frequency attached by ClinVar (database versions not stated): gnomAD exomes 0.00005; gnomAD 0.00007; ExAC 0.00008; ESP Exome Variant Server 0.00008; TOPMed 0.00009; 1000 Genomes Project 30x 0.00016; 1000 Genomes Project 0.00020.
gnomAD v4.1: 86 of 1,547,374 alleles (0.0056%); highest among the groups gnomAD compares: Middle Eastern, 0.017%; no homozygotes.

Submissions (3):

CeGaT Center for Human Genetics Tuebingen
Classification: Likely benign. Last evaluated: 2024-11-01. Review status: criteria provided, single submitter. Criteria: CeGaT Center For Human Genetics Tuebingen Variant Classification Criteria Version 2. Collection method: clinical testing. Allele origin: germline. Affected: yes. Observed: 1 variant allele.
Comment: HECW2: BP4

Blueprint Genetics
Classification: Likely benign. Last evaluated: 2023-02-28. Review status: criteria provided, single submitter. Criteria: ACMG Guidelines, 2015. Collection method: clinical testing. Allele origin: germline.

Ambry Genetics
Classification: Likely benign for Inborn genetic diseases. Last evaluated: 2022-12-28. Review status: criteria provided, single submitter. Criteria: Ambry Variant Classification Scheme 2023. Collection method: clinical testing. Allele origin: germline.